The following is an entry in ClinVar:

NM_006767.4(LZTR1):c.519del (p.Ala174fs)

Gene: LZTR1 (leucine zipper like post translational regulator 1; plus strand). Cytogenetic location: 22q11.21.
Variant type: Deletion.
Coding change: c.519del on transcript NM_006767.4 (MANE Select); coding-DNA position 519, one base deleted (C; older notation c.519delC).
Protein change: p.Ala174fs; shifts the reading frame from alanine 174.
Molecular consequence: frameshift variant.
Genome position (GRCh38, 1-based): chr22:20,988,798, C deleted. VCF-style (leftmost placement, unchanged base first): chr22-20988797-TC-T. GRCh37 (hg19) VCF-style: chr22-21343086-TC-T.
Other names: short protein forms A174fs.
Identifiers: ClinVar variation 1745976 (VCV001745976.2), dbSNP rs2518614047, ClinGen allele CA2580099182.
Genomic context (GRCh38, chr22:20,988,797, plus strand): 5'-TCAGGTCTGTGCTGGGCGGCCTCACTCCCTCCCCTCTTCCCTCACACTCCAGGTTGCCAG[TC>T]GCTAGGTCAGCCCATGGGGCCACGGTGTACAGTGACAAGCTGTGGATCTTTGCTGGCTAT-3'

ClinVar aggregate classification (germline): Pathogenic (1 of 4 stars; one submission).

Conditions:
Cardiovascular phenotype. Identifiers: MedGen CN230736.
Hereditary cancer-predisposing syndrome. Also called: Hereditary Cancer Syndrome; Neoplastic Syndromes, Hereditary; Tumor predisposition; Hereditary neoplastic syndrome. Identifiers: Orphanet 140162, MedGen C0027672, MeSH D009386, MONDO:0015356.

Submission:

Ambry Genetics
Classification: Pathogenic for Cardiovascular phenotype; Hereditary cancer-predisposing syndrome. Last evaluated: 2021-03-22. Review status: criteria provided, single submitter. Criteria: Ambry Variant Classification Scheme 2023. Collection method: clinical testing. Allele origin: germline.
Comment: The c.519delC pathogenic mutation, located in coding exon 6 of the LZTR1 gene, results from a deletion of one nucleotide at nucleotide position 519, causing a translational frameshift with a predicted alternate stop codon (p.A174Lfs*26). This variant was not reported in population-based cohorts in the Genome Aggregation Database (gnomAD). Based on the supporting evidence, this variant is pathogenic for an increased risk of nerve sheath tumors and would be expected to cause autosomal recessive Noonan syndrome when present along with a second pathogenic or likely pathogenic variant on the other allele.